The following is an entry in ClinVar:

ClinVar aggregate classification (germline): Pathogenic/Likely pathogenic. Review status: criteria provided, multiple submitters, no conflicts (2 of 4 stars). 3 submissions from 3 submitters: Pathogenic (1); Likely pathogenic (1). 1 of the submissions does not count toward it. Last evaluated 2026-01-12.

Conditions:
Renal carnitine transport defect (CDSP). Also called: Primary carnitine deficiency; Carnitine Deficiency, Systemic; CARNITINE DEFICIENCY, SYSTEMIC, DUE TO DEFECT IN RENAL REABSORPTION OF CARNITINE; CARNITINE TRANSPORTER, PLASMA-MEMBRANE, DEFICIENCY OF; CARNITINE UPTAKE DEFECT; Systemic primary carnitine deficiency. Identifiers: Orphanet 158, MedGen C0342788, MONDO:0008919, OMIM 212140.

Submissions (3):

Labcorp Genetics (formerly Invitae), Labcorp
Classification: Pathogenic for Renal carnitine transport defect. Last evaluated: 2026-01-12. Review status: criteria provided, single submitter. Criteria: Invitae Variant Classification Sherloc (09022015). Collection method: clinical testing. Allele origin: germline.
Comment: This sequence change creates a premature translational stop signal (p.Gln18Serfs*25) in the SLC22A5 gene. It is expected to result in an absent or disrupted protein product. Loss-of-function variants in SLC22A5 are known to be pathogenic (PMID: 9916797). This variant is not present in population databases (gnomAD no frequency). This variant has not been reported in the literature in individuals affected with SLC22A5-related conditions. ClinVar contains an entry for this variant (Variation ID: 558416). For these reasons, this variant has been classified as Pathogenic.

Baylor Genetics
Classification: Likely pathogenic for Renal carnitine transport defect. Last evaluated: 2023-08-26. Review status: criteria provided, single submitter. Criteria: ACMG Guidelines, 2015. Collection method: clinical testing. Allele origin: unknown.

Counsyl
Classification: Likely pathogenic for Renal carnitine transport defect. Last evaluated: 2018-05-21. Review status: no assertion criteria provided. Collection method: clinical testing. Allele origin: unknown. Not counted in ClinVar's aggregate classification.

Literature cited by the submitters: PubMed 9916797 (cited by Labcorp Genetics (formerly Invitae), Labcorp).

NM_003060.4(SLC22A5):c.52del (p.Gln18fs)

Gene: SLC22A5 (solute carrier family 22 member 5; plus strand). Cytogenetic location: 5q31.1.
Variant type: Deletion.
Coding change: c.52del on transcript NM_003060.4 (MANE Select); coding-DNA position 52, one base deleted (C; older notation c.52delC).
Protein change: p.Gln18fs; shifts the reading frame from glutamine 18.
Molecular consequence: frameshift variant.
Genome position (GRCh38, 1-based): chr5:132,370,024, C deleted; the last of 2 consecutive C bases (chr5:132,370,023-132,370,024); deleting either gives the same sequence. VCF-style (leftmost placement, unchanged base first): chr5-132370022-TC-T. GRCh37 (hg19) VCF-style: chr5-131705714-TC-T.
Other names: c.52del, p.Gln18fs (NM_001308122.2); short protein forms Q18fs.
Identifiers: ClinVar variation 558416 (VCV000558416.7), dbSNP rs1022453298, ClinGen allele CA127196152.
Genomic context (GRCh38, chr5:132,370,022, plus strand): 5'-CTGAGGGCGGCATGCGGGACTACGACGAGGTGACCGCCTTCCTGGGCGAGTGGGGGCCCT[TC>T]CAGCGCCTCATCTTCTTCCTGCTCAGCGCCAGCATCATCCCCAATGGCTTCACCGGCCTG-3'